The following is an entry in ClinVar:

ClinVar aggregate classification (germline): other (0 of 4 stars; one submission).

Conditions:
Familial colorectal cancer. Identifiers: MedGen CN280943, MONDO:0023113. Disease mechanism: loss of function.

Submission:

Systems Biology Platform Zhejiang California International NanoSystems Institute
Classification: other for Familial colorectal cancer. Review status: no assertion criteria provided. Collection method: not provided. Allele origin: unknown.
ClinVar note: Converted during submission from cancer to other.

NM_000038.6(APC):c.1744-2269T>C

Gene: APC (APC regulator of WNT signaling pathway; plus strand). Cytogenetic location: 5q22.2.
Variant type: single nucleotide variant.
Coding change: c.1744-2269T>C on transcript NM_000038.6 (MANE Select); 2269 bases into the intron before coding-DNA position 1744, T replaced by C.
Molecular consequence: intron variant.
Genome position (GRCh38, 1-based): chr5:112,832,682, T>C. VCF-style: chr5-112832682-T-C. GRCh37 (hg19) VCF-style: chr5-112168379-T-C.
Other names: c.1744-2269T>C (NM_001354895.2, NM_001127510.3); c.1774-2269T>C (NM_001354897.2); c.1471-2269T>C (NM_001354902.2); c.1690-2269T>C (NM_001127511.3); c.1669-2269T>C (NM_001354898.2); c.1366-2269T>C (NM_001354904.2); c.895-2269T>C (NM_001354906.2); c.1798-2269T>C (NM_001354896.2); and 5 more.
Identifiers: ClinVar variation 83188 (VCV000083188.2), dbSNP rs80072625, ClinGen allele CA005837.